The following is an entry in ClinVar:

NM_000061.3(BTK):c.1694C>T (p.Pro565Leu)

Gene: BTK (Bruton tyrosine kinase; minus strand). Cytogenetic location: Xq22.1.
Variant type: single nucleotide variant.
Coding change: c.1694C>T on transcript NM_000061.3 (MANE Select); coding-DNA position 1694, C replaced by T.
Protein change: p.Pro565Leu; replaces proline 565 with leucine.
Molecular consequence: missense variant.
Genome position (GRCh38, 1-based): chrX:101,353,926, G>A on the plus strand (C>T on the coding strand, the complement: BTK is on the minus strand). VCF-style: chrX-101353926-G-A. GRCh37 (hg19) VCF-style: chrX-100608914-G-A.
Other names: c.1796C>T, p.Pro599Leu (NM_001287344.2); c.1166C>T, p.Pro389Leu (NM_001287345.2); short protein forms P565L, P389L, P599L.
Identifiers: ClinVar variation 2138642 (VCV002138642.4), dbSNP rs2520534125, ClinGen allele CA413920459.

ClinVar aggregate classification (germline): Likely pathogenic (1 of 4 stars; one submission).

Conditions:
X-linked agammaglobulinemia with growth hormone deficiency (IGHD3). Also called: FLEISHER SYNDROME; HYPOGAMMAGLOBULINEMIA AND ISOLATED GROWTH HORMONE DEFICIENCY, X-LINKED; IGHD III; AGAMMAGLOBULINEMIA AND ISOLATED GROWTH HORMONE DEFICIENCY, X-LINKED; Isolated growth hormone deficiency type 3; Growth hormone deficiency with hypogammaglobulinemia. Identifiers: Orphanet 231692, Orphanet 631, MedGen C0472813, MONDO:0010615, OMIM 307200.

Submission:

Labcorp Genetics (formerly Invitae), Labcorp
Classification: Likely pathogenic for X-linked agammaglobulinemia with growth hormone deficiency. Last evaluated: 2024-08-07. Review status: criteria provided, single submitter. Criteria: Invitae Variant Classification Sherloc (09022015). Collection method: clinical testing. Allele origin: germline.
Comment: This sequence change replaces proline, which is neutral and non-polar, with leucine, which is neutral and non-polar, at codon 565 of the BTK protein (p.Pro565Leu). This variant is not present in population databases (gnomAD no frequency). This missense change has been observed in individuals with clinical features of agammaglobulinemia (PMID: 11892085; Invitae). ClinVar contains an entry for this variant (Variation ID: 2138642). Advanced modeling of protein sequence and biophysical properties (such as structural, functional, and spatial information, amino acid conservation, physicochemical variation, residue mobility, and thermodynamic stability) performed at Invitae indicates that this missense variant is expected to disrupt BTK protein function with a positive predictive value of 80%. Experimental studies have shown that this missense change affects BTK function (PMID: 11892085). This variant disrupts the p.Pro565 amino acid residue in BTK. Other variant(s) that disrupt this residue have been observed in individuals with BTK-related conditions (PMID: 12768435), which suggests that this may be a clinically significant amino acid residue. In summary, the currently available evidence indicates that the variant is pathogenic, but additional data are needed to prove that conclusively. Therefore, this variant has been classified as Likely Pathogenic.

Literature cited by the submitters: PubMed 11892085; PubMed 12768435.